The following is an entry in ClinVar:

NM_004523.4(KIF11):c.5C>T (p.Ala2Val)

Gene: KIF11 (kinesin family member 11; plus strand). Cytogenetic location: 10q23.33.
Variant type: single nucleotide variant.
Coding change: c.5C>T on transcript NM_004523.4 (MANE Select); coding-DNA position 5, C replaced by T.
Protein change: p.Ala2Val; replaces alanine 2 with valine.
Molecular consequence: missense variant.
Genome position (GRCh38, 1-based): chr10:92,593,380, C>T. VCF-style: chr10-92593380-C-T. GRCh37 (hg19) VCF-style: chr10-94353137-C-T.
Other names: short protein forms A2V.
Identifiers: ClinVar variation 1993483 (VCV001993483.4), dbSNP rs1340206177, ClinGen allele CA377585516.

ClinVar aggregate classification (germline): Uncertain significance (1 of 4 stars; one submission).

Submission:

Labcorp Genetics (formerly Invitae), Labcorp
Classification: Uncertain significance. Last evaluated: 2022-05-12. Review status: criteria provided, single submitter. Criteria: Invitae Variant Classification Sherloc (09022015). Collection method: clinical testing. Allele origin: germline.
Comment: The frequency data for this variant in the population databases is considered unreliable, as metrics indicate poor data quality at this position in the gnomAD database. This sequence change replaces alanine, which is neutral and non-polar, with valine, which is neutral and non-polar, at codon 2 of the KIF11 protein (p.Ala2Val). This variant has not been reported in the literature in individuals affected with KIF11-related conditions. In summary, the available evidence is currently insufficient to determine the role of this variant in disease. Therefore, it has been classified as a Variant of Uncertain Significance. Algorithms developed to predict the effect of missense changes on protein structure and function are either unavailable or do not agree on the potential impact of this missense change (SIFT: "Tolerated"; PolyPhen-2: "Possibly Damaging"; Align-GVGD: "Class C0").